The following is an entry in ClinVar:

ClinVar aggregate classification (germline): Uncertain significance (1 of 4 stars; one submission).

Conditions:
Gastrointestinal stromal tumor. Also called: Gastrointestinal stromal tumor, somatic; Gastrointestinal stroma tumor. Identifiers: Orphanet 44890, MedGen C0238198, MeSH D046152, MONDO:0011719, OMIM 606764, HP:0100723.

Submission:

Labcorp Genetics (formerly Invitae), Labcorp
Classification: Uncertain significance for Gastrointestinal stromal tumor. Last evaluated: 2020-03-02. Review status: criteria provided, single submitter. Criteria: Invitae Variant Classification Sherloc (09022015). Collection method: clinical testing. Allele origin: germline.
Comment: In summary, the available evidence is currently insufficient to determine the role of this variant in disease. Therefore, it has been classified as a Variant of Uncertain Significance. Algorithms developed to predict the effect of missense changes on protein structure and function are either unavailable or do not agree on the potential impact of this missense change (SIFT: "Tolerated"; PolyPhen-2: "Probably Damaging"; Align-GVGD: "Class C0"). This variant has not been reported in the literature in individuals with PDGFRA-related conditions. This variant is not present in population databases (ExAC no frequency). This sequence change replaces proline with serine at codon 765 of the PDGFRA protein (p.Pro765Ser). The proline residue is highly conserved and there is a moderate physicochemical difference between proline and serine.

NM_006206.6(PDGFRA):c.2293C>T (p.Pro765Ser)

Gene: PDGFRA (platelet derived growth factor receptor alpha; plus strand). Cytogenetic location: 4q12.
Variant type: single nucleotide variant.
Coding change: c.2293C>T on transcript NM_006206.6 (MANE Select); coding-DNA position 2293, C replaced by T.
Protein change: p.Pro765Ser; replaces proline 765 with serine.
Molecular consequence: missense variant.
Genome position (GRCh38, 1-based): chr4:54,280,452, C>T. VCF-style: chr4-54280452-C-T. GRCh37 (hg19) VCF-style: chr4-55146619-C-T.
Other names: c.2293C>T, p.Pro765Ser (NM_001347827.2, NM_001347829.2); c.2368C>T, p.Pro790Ser (NM_001347828.2); c.2332C>T, p.Pro778Ser (NM_001347830.2); short protein forms P765S, P778S, P790S.
Identifiers: ClinVar variation 1044774 (VCV001044774.9), dbSNP rs1325295795, ClinGen allele CA356894495.